The following is an entry in ClinVar:

NM_058246.4(DNAJB6):c.584_587del (p.Thr195fs)

Gene: DNAJB6 (DnaJ heat shock protein family (Hsp40) member B6; plus strand). Cytogenetic location: 7q36.3.
Variant type: Deletion.
Coding change: c.584_587del on transcript NM_058246.4 (MANE Select); coding-DNA positions 584 to 587, 4 bases deleted (CTAA; older notation c.584_587delCTAA).
Protein change: p.Thr195fs; shifts the reading frame from threonine 195.
Molecular consequence: frameshift variant. On other transcripts: intron variant (1).
Genome position (GRCh38, 1-based): chr7:157,384,972-157,384,975, CTAA deleted; deleting any 4 consecutive bases within chr7:157,384,970-157,384,975 gives the same sequence; the c. name uses the placement nearest the transcript's 3' end. VCF-style (leftmost placement, unchanged base first): chr7-157384969-CAACT-C. GRCh37 (hg19) VCF-style: chr7-157177663-CAACT-C.
Other names: c.584_587del, p.Thr195fs (NM_005494.3); c.346+17489_346+17492del (NM_001363676.1); short protein forms T195fs.
Identifiers: ClinVar variation 3654184 (VCV003654184.2).

ClinVar aggregate classification (germline): Uncertain significance (1 of 4 stars; one submission).

Conditions:
Autosomal dominant limb-girdle muscular dystrophy type 1D (DNAJB6) (LGMDD1). Also called: MUSCULAR DYSTROPHY, LIMB-GIRDLE, TYPE 1D; MUSCULAR DYSTROPHY, AUTOSOMAL DOMINANT, WITH RIMMED VACUOLES; Autosomal dominant limb-girdle muscular dystrophy type 1D; Muscular dystrophy, limb-girdle, autosomal dominant 1. Identifiers: Orphanet 34516, MedGen C4721885, MONDO:0021018, OMIM 603511.

Submission:

Labcorp Genetics (formerly Invitae), Labcorp
Classification: Uncertain significance for Autosomal dominant limb-girdle muscular dystrophy type 1D (DNAJB6). Last evaluated: 2024-05-22. Review status: criteria provided, single submitter. Criteria: Invitae Variant Classification Sherloc (09022015). Collection method: clinical testing. Allele origin: germline.
Comment: This sequence change creates a premature translational stop signal (p.Thr195Lysfs*21) in the DNAJB6 gene. It is expected to result in an absent or disrupted protein product. However, the current clinical and genetic evidence is not sufficient to establish whether loss-of-function variants in DNAJB6 cause disease. This variant is not present in population databases (gnomAD no frequency). This variant has not been reported in the literature in individuals affected with DNAJB6-related conditions. In summary, the available evidence is currently insufficient to determine the role of this variant in disease. Therefore, it has been classified as a Variant of Uncertain Significance.